The following is an entry in ClinVar:

NM_000426.4(LAMA2):c.7830G>C (p.Val2610=)

Gene: LAMA2 (laminin subunit alpha 2; plus strand). Cytogenetic location: 6q22.33.
Variant type: single nucleotide variant.
Coding change: c.7830G>C on transcript NM_000426.4 (MANE Select); coding-DNA position 7830, G replaced by C.
Protein change: p.Val2610=; no amino-acid change (valine 2610 retained).
Molecular consequence: synonymous variant.
Genome position (GRCh38, 1-based): chr6:129,486,554, G>C. VCF-style: chr6-129486554-G-C. GRCh37 (hg19) VCF-style: chr6-129807699-G-C.
Other names: p.Val2610=; c.7818G>C, p.Val2606= (NM_001079823.2).
Identifiers: ClinVar variation 92987 (VCV000092987.30), dbSNP rs2229849, ClinGen allele CA146151.

ClinVar aggregate classification (germline): Benign. Review status: criteria provided, multiple submitters, no conflicts (2 of 4 stars). 15 submissions from 14 submitters: Benign (12). 3 of the submissions do not count toward it. Last evaluated 2026-02-04.

Conditions:
Congenital muscular dystrophy due to partial LAMA2 deficiency. Identifiers: MedGen C1842898.
Merosin deficient congenital muscular dystrophy (MDC1A). Also called: Congenital merosin-deficient muscular dystrophy 1A; Congenital Muscular Dystrophy Type 1A (MDC1A). Identifiers: Orphanet 258, MedGen C1263858, MONDO:0011925, OMIM 607855.
Muscular dystrophy, limb-girdle, autosomal recessive 23. Identifiers: Orphanet 565837, MedGen C4748327, MONDO:0029136, OMIM 618138.
LAMA2-related muscular dystrophy (LAMA2-RD). Also called: Laminin alpha 2-related dystrophy. Identifiers: MedGen C5679788, MONDO:0100228.

Allele frequency attached by ClinVar (database versions not stated): 1000 Genomes Project 30x 0.58089; 1000 Genomes Project 0.58427; TOPMed 0.62632; gnomAD 0.63028 and 0.63102; ESP Exome Variant Server 0.64001; ExAC 0.66820; gnomAD exomes 0.67229.
gnomAD v4.1: 1,122,026 of 1,613,552 alleles (70%); highest among the groups gnomAD compares: Non-Finnish European, 72%; 393,590 homozygotes.

Submissions (15):

Labcorp Genetics (formerly Invitae), Labcorp
Classification: Benign for LAMA2-related muscular dystrophy. Last evaluated: 2026-02-04. Review status: criteria provided, single submitter. Criteria: Invitae Variant Classification Sherloc (09022015). Collection method: clinical testing. Allele origin: germline.

Blueprint Genetics
Classification: Benign. Last evaluated: 2024-11-27. Review status: criteria provided, single submitter. Criteria: ACMG Guidelines, 2015. Collection method: clinical testing. Allele origin: germline.

Women's Health and Genetics/Laboratory Corporation of America, LabCorp
Classification: Benign. Last evaluated: 2021-12-03. Review status: criteria provided, single submitter. Criteria: LabCorp Variant Classification Summary - May 2015. Collection method: clinical testing. Allele origin: germline.

Genome-Nilou Lab
Classification: Benign for Merosin deficient congenital muscular dystrophy. Last evaluated: 2021-08-19. Review status: criteria provided, single submitter. Criteria: ACMG Guidelines, 2015. Collection method: clinical testing. Allele origin: germline. Affected: no.

Genome-Nilou Lab
Classification: Benign for Muscular dystrophy, limb-girdle, autosomal recessive 23. Last evaluated: 2021-08-19. Review status: criteria provided, single submitter. Criteria: ACMG Guidelines, 2015. Collection method: clinical testing. Allele origin: germline. Affected: no.

Mayo Clinic Laboratories, Mayo Clinic
Classification: Benign. Last evaluated: 2018-03-12. Review status: criteria provided, single submitter. Criteria: ACMG Guidelines, 2015. Collection method: clinical testing. Allele origin: germline. Observed: 2,769 variant alleles.

Illumina Laboratory Services, Illumina
Classification: Benign for Congenital muscular dystrophy due to partial LAMA2 deficiency. Last evaluated: 2018-01-13. Review status: criteria provided, single submitter. Criteria: ICSL Variant Classification Criteria 13 December 2019. Collection method: clinical testing. Allele origin: germline.
Comment: This variant was observed in the ICSL laboratory as part of a predisposition screen in an ostensibly healthy population. It had not been previously curated by ICSL or reported in the Human Gene Mutation Database (HGMD: prior to June 1st, 2018), and was therefore a candidate for classification through an automated scoring system. Utilizing variant allele frequency, disease prevalence and penetrance estimates, and inheritance mode, an automated score was calculated to assess if this variant is too frequent to cause the disease. Based on the score and internal cut-off values, a variant classified as benign is not then subjected to further curation. The score for this variant resulted in a classification of benign for this disease.

Athena Diagnostics
Classification: Benign for Merosin deficient congenital muscular dystrophy. Last evaluated: 2017-04-13. Review status: criteria provided, single submitter. Criteria: Athena Diagnostics Criteria. Collection method: clinical testing. Allele origin: germline.

Eurofins Ntd Llc (ga)
Classification: Benign. Last evaluated: 2016-01-20. Review status: criteria provided, single submitter. Criteria: EGL Classification Definitions 2015. Collection method: clinical testing. Allele origin: germline. Observed: 81 variant alleles, 37 heterozygotes, 44 homozygotes.

GeneDx
Classification: Benign. Last evaluated: 2016-01-05. Review status: criteria provided, single submitter. Criteria: GeneDx Variant Classification (06012015). Collection method: clinical testing. Allele origin: germline. Affected: yes.
Comment: This variant is considered likely benign or benign based on one or more of the following criteria: it is a conservative change, it occurs at a poorly conserved position in the protein, it is predicted to be benign by multiple in silico algorithms, and/or has population frequency not consistent with disease.

Genetic Services Laboratory, University of Chicago
Classification: Benign for AllHighlyPenetrant. Last evaluated: 2013-08-20. Review status: criteria provided, single submitter. Criteria: ACMG Guidelines, 2007. Collection method: clinical testing. Allele origin: germline. Inheritance: Autosomal recessive inheritance.

PreventionGenetics, part of Exact Sciences
Classification: Benign. Review status: criteria provided, single submitter. Criteria: ACMG Guidelines, 2015. Collection method: clinical testing. Allele origin: germline.

Clinical Genetics, Academic Medical Center
Classification: Benign. Review status: no assertion criteria provided. Collection method: clinical testing. Allele origin: germline. Affected: yes. Study: VKGL Data-share Consensus. Not counted in ClinVar's aggregate classification.

Diagnostic Laboratory, Department of Genetics, University Medical Center Groningen
Classification: Benign for Merosin deficient congenital muscular dystrophy. Review status: no assertion criteria provided. Collection method: clinical testing. Allele origin: germline. Affected: yes. Study: VKGL Data-share Consensus. Not counted in ClinVar's aggregate classification.

Joint Genome Diagnostic Labs from Nijmegen and Maastricht, Radboudumc and MUMC+
Classification: Benign. Review status: no assertion criteria provided. Collection method: clinical testing. Allele origin: germline. Affected: yes. Study: VKGL Data-share Consensus. Not counted in ClinVar's aggregate classification.

Literature cited by the submitters: PubMed 12100448 (cited by Athena Diagnostics); PubMed 12552556 (cited by Athena Diagnostics); PubMed 8957020 (cited by Athena Diagnostics); PubMed 9541105 (cited by Athena Diagnostics).